The following is an entry in ClinVar:

ClinVar aggregate classification (germline): Conflicting classifications of pathogenicity. Review status: criteria provided, conflicting classifications (1 of 4 stars). 2 submissions from 2 submitters: Uncertain significance (1); Likely benign (1). Last evaluated 2025-04-28.

Allele frequency attached by ClinVar (database versions not stated): ESP Exome Variant Server 0.00020; gnomAD 0.00022; gnomAD exomes 0.00022; TOPMed 0.00026; ExAC 0.00028.
gnomAD v4.1: 254 of 1,209,840 alleles (0.021%); highest among the groups gnomAD compares: Non-Finnish European, 0.027%; no homozygotes.

Submissions (2):

Ambry Genetics
Classification: Uncertain significance. Last evaluated: 2025-04-28. Review status: criteria provided, single submitter. Criteria: Ambry Variant Classification Scheme 2023. Collection method: clinical testing. Allele origin: germline.

CeGaT Center for Human Genetics Tuebingen
Classification: Likely benign. Last evaluated: 2022-11-01. Review status: criteria provided, single submitter. Criteria: CeGaT Center For Human Genetics Tuebingen Variant Classification Criteria Version 2. Collection method: clinical testing. Allele origin: germline. Affected: yes. Observed: 1 variant allele.
Comment: KIAA1210: BP4, BS2

NM_001394962.1(KIAA1210):c.3608C>T (p.Ser1203Phe)

Gene: KIAA1210 (KIAA1210; minus strand). Cytogenetic location: Xq24.
Variant type: single nucleotide variant.
Coding change: c.3608C>T on transcript NM_001394962.1 (MANE Select); coding-DNA position 3608, C replaced by T.
Protein change: p.Ser1203Phe; replaces serine 1203 with phenylalanine.
Molecular consequence: missense variant.
Genome position (GRCh38, 1-based): chrX:119,087,094, G>A on the plus strand (C>T on the coding strand, the complement: KIAA1210 is on the minus strand). VCF-style: chrX-119087094-G-A. GRCh37 (hg19) VCF-style: chrX-118221057-G-A.
Other names: c.4136C>T, p.Ser1379Phe (NM_020721.1); short protein forms S1379F, S1203F.
Identifiers: ClinVar variation 2290753 (VCV002290753.26), dbSNP rs200034820, ClinGen allele CA10500974.